The following is an entry in ClinVar:

NM_020937.4(FANCM):c.3074G>A (p.Cys1025Tyr)

Gene: FANCM (FA complementation group M; plus strand). Cytogenetic location: 14q21.2.
Variant type: single nucleotide variant.
Coding change: c.3074G>A on transcript NM_020937.4 (MANE Select); coding-DNA position 3074, G replaced by A.
Protein change: p.Cys1025Tyr; replaces cysteine 1025 with tyrosine.
Molecular consequence: missense variant.
Genome position (GRCh38, 1-based): chr14:45,175,828, G>A. VCF-style: chr14-45175828-G-A. GRCh37 (hg19) VCF-style: chr14-45645031-G-A.
Other names: c.2996G>A, p.Cys999Tyr (NM_001308133.2); short protein forms C999Y, C1025Y.
Identifiers: ClinVar variation 1490514 (VCV001490514.8), dbSNP rs908243528, ClinGen allele CA259628068.
Genomic context (GRCh38, chr14:45,175,828, plus strand): 5'-CAGACTTGGAATATGAAATTGCTAAGGGTACTGCACTTGAGAATTTGCTTTTCTTACCCT[G>A]TGCAGAGCATTTACGAAGTGATAAATGCACCTGTTTGCTGTCACATTCAGCTGTGAATTC-3'
Protein context (NP_065988.1, residues 1015-1035): TALENLLFLP[Cys1025Tyr]AEHLRSDKCT

ClinVar aggregate classification (germline): Uncertain significance (1 of 4 stars; one submission).

Conditions:
Fanconi anemia (FA). Also called: Fanconi's anemia. Identifiers: Orphanet 84, MedGen C0015625, MeSH D005199, MONDO:0019391.

Allele frequency attached by ClinVar (database versions not stated): gnomAD 0.00001; TOPMed 0.00001.
gnomAD v4.1: 2 of 1,613,758 alleles (0.00012%); highest among the groups gnomAD compares: Non-Finnish European, 0.00017%; no homozygotes.

Submission:

Labcorp Genetics (formerly Invitae), Labcorp
Classification: Uncertain significance for Fanconi anemia. Last evaluated: 2026-01-05. Review status: criteria provided, single submitter. Criteria: Invitae Variant Classification Sherloc (09022015). Collection method: clinical testing. Allele origin: germline.
Comment: This sequence change replaces cysteine, which is neutral and slightly polar, with tyrosine, which is neutral and polar, at codon 1025 of the FANCM protein (p.Cys1025Tyr). This variant is not present in population databases (gnomAD no frequency). This variant has not been reported in the literature in individuals affected with FANCM-related conditions. ClinVar contains an entry for this variant (Variation ID: 1490514). An algorithm developed to predict the effect of missense changes on protein structure and function outputs the following: PolyPhen-2: "Benign". The tyrosine amino acid residue is found in multiple mammalian species, which suggests that this missense change does not adversely affect protein function. In summary, the available evidence is currently insufficient to determine the role of this variant in disease. Therefore, it has been classified as a Variant of Uncertain Significance.